The following is an entry in ClinVar:

NM_024422.6(DSC2):c.2046T>A (p.Asp682Glu)

Gene: DSC2 (desmocollin 2; minus strand). Cytogenetic location: 18q12.1.
Variant type: single nucleotide variant.
Coding change: c.2046T>A on transcript NM_024422.6 (MANE Select); coding-DNA position 2046, T replaced by A.
Protein change: p.Asp682Glu; replaces aspartic acid 682 with glutamic acid.
Molecular consequence: missense variant.
Genome position (GRCh38, 1-based): chr18:31,071,684, A>T on the plus strand (T>A on the coding strand, the complement: DSC2 is on the minus strand). VCF-style: chr18-31071684-A-T. GRCh37 (hg19) VCF-style: chr18-28651650-A-T.
Other names: c.2046T>A, p.Asp682Glu (NM_004949.5); short protein forms D682E.
Identifiers: ClinVar variation 1332317 (VCV001332317.3), dbSNP rs1161794192, ClinGen allele CA402112996.

ClinVar aggregate classification (germline): Uncertain significance (1 of 4 stars; one submission).

Conditions:
Cardiomyopathy (CMYO). Also called: Cardiomyopathies. Identifiers: Orphanet 167848, MedGen C0878544, MONDO:0004994, HP:0001638. Inheritance: Various modes of inheritance.

Submission:

Color Diagnostics, LLC DBA Color Health
Classification: Uncertain significance for Cardiomyopathy. Last evaluated: 2024-03-07. Review status: criteria provided, single submitter. Criteria: ACMG Guidelines, 2015. Collection method: clinical testing. Allele origin: germline.
Comment: This missense variant replaces aspartic acid with glutamic acid at codon 682 of the DSC2 protein. Computational prediction suggests that this variant may not impact protein structure and function (internally defined REVEL score threshold <= 0.5, PMID: 27666373). To our knowledge, functional studies have not been reported for this variant. This variant has not been reported in individuals affected with cardiovascular disorders in the literature. This variant has not been identified in the general population by the Genome Aggregation Database (gnomAD). The available evidence is insufficient to determine the role of this variant in disease conclusively. Therefore, this variant is classified as a Variant of Uncertain Significance.